The following is an entry in ClinVar:

ClinVar aggregate classification (germline): Uncertain significance (1 of 4 stars; one submission).

Conditions:
Hereditary cancer-predisposing syndrome. Also called: Neoplastic Syndromes, Hereditary; Hereditary Cancer Syndrome; Hereditary neoplastic syndrome; Tumor predisposition. Identifiers: Orphanet 140162, MedGen C0027672, MeSH D009386, MONDO:0015356.

Submission:

Ambry Genetics
Classification: Uncertain significance for Hereditary cancer-predisposing syndrome. Last evaluated: 2023-05-14. Review status: criteria provided, single submitter. Criteria: Ambry Variant Classification Scheme 2023. Collection method: clinical testing. Allele origin: germline.
Comment: The p.F896L variant (also known as c.2688C>G), located in coding exon 16 of the DICER1 gene, results from a C to G substitution at nucleotide position 2688. The phenylalanine at codon 896 is replaced by leucine, an amino acid with highly similar properties. This amino acid position is conserved. In addition, the in silico prediction for this alteration is inconclusive. Since supporting evidence is limited at this time, the clinical significance of this alteration remains unclear.

NM_177438.3(DICER1):c.2688C>G (p.Phe896Leu)

Gene: DICER1 (dicer 1, ribonuclease III; minus strand). Cytogenetic location: 14q32.13.
Variant type: single nucleotide variant.
Coding change: c.2688C>G on transcript NM_177438.3 (MANE Select); coding-DNA position 2688, C replaced by G.
Protein change: p.Phe896Leu; replaces phenylalanine 896 with leucine.
Molecular consequence: missense variant. On other transcripts: non-coding transcript variant (6).
Genome position (GRCh38, 1-based): chr14:95,107,724, G>C on the plus strand (C>G on the coding strand, the complement: DICER1 is on the minus strand). VCF-style: chr14-95107724-G-C. GRCh37 (hg19) VCF-style: chr14-95574061-G-C.
Other names: c.2688C>G, p.Phe896Leu (NM_001195573.1, NM_001271282.3, NM_001291628.2 and 13 more transcripts); c.2406C>G, p.Phe802Leu (NM_001395686.1); c.2283C>G, p.Phe761Leu (NM_001395687.1, NM_001395688.1, NM_001395689.1 and 2 more transcripts); c.2121C>G, p.Phe707Leu (NM_001395691.1); c.1005C>G, p.Phe335Leu (NM_001395697.1); short protein forms F335L, F761L, F707L, F802L, F896L.
Identifiers: ClinVar variation 2566200 (VCV002566200.2), dbSNP rs2140020178, ClinGen allele CA390879702.
Genomic context (GRCh38, chr14:95,107,724, plus strand): 5'-TTTTGTATACTTTGTACTGGGAATGCCTATGCGAGCTTCAGACTTCTCAATATCTTCCAT[G>C]AATTTAAAGTCAATATCCAAAGTGCTGGAGTCATTAACTTAGAAGAGAAAAACGACTCTT-3'
Protein context (NP_803187.1, residues 886-906): DSSTLDIDFK[Phe896Leu]MEDIEKSEAR